The following is an entry in ClinVar:

ClinVar aggregate classification (germline): Uncertain significance (1 of 4 stars; one submission).

Conditions:
Rhabdoid tumor predisposition syndrome 2 (RTPS2). Identifiers: Orphanet 231108, Orphanet 69077, MedGen C2750074, MONDO:0013224, OMIM 613325.

Submission:

Labcorp Genetics (formerly Invitae), Labcorp
Classification: Uncertain significance for Rhabdoid tumor predisposition syndrome 2. Last evaluated: 2023-08-18. Review status: criteria provided, single submitter. Criteria: Invitae Variant Classification Sherloc (09022015). Collection method: clinical testing. Allele origin: germline.
Comment: This variant is not present in population databases (gnomAD no frequency). This variant has not been reported in the literature in individuals affected with SMARCA4-related conditions. ClinVar contains an entry for this variant (Variation ID: 643858). Advanced modeling of protein sequence and biophysical properties (such as structural, functional, and spatial information, amino acid conservation, physicochemical variation, residue mobility, and thermodynamic stability) performed at Invitae indicates that this missense variant is not expected to disrupt SMARCA4 protein function. In summary, the available evidence is currently insufficient to determine the role of this variant in disease. Therefore, it has been classified as a Variant of Uncertain Significance. This sequence change replaces threonine, which is neutral and polar, with serine, which is neutral and polar, at codon 11 of the SMARCA4 protein (p.Thr11Ser).

NM_003072.5(SMARCA4):c.32C>G (p.Thr11Ser)

Gene: SMARCA4 (SWI/SNF related BAF chromatin remodeling complex subunit ATPase 4; plus strand). Cytogenetic location: 19p13.2.
Variant type: single nucleotide variant.
Coding change: c.32C>G on transcript NM_003072.5 (MANE Select); coding-DNA position 32, C replaced by G.
Protein change: p.Thr11Ser; replaces threonine 11 with serine.
Molecular consequence: missense variant. On other transcripts: non-coding transcript variant (1).
Genome position (GRCh38, 1-based): chr19:10,984,183, C>G. VCF-style: chr19-10984183-C-G. GRCh37 (hg19) VCF-style: chr19-11094859-C-G.
Other names: c.32C>G, p.Thr11Ser (NM_001128844.3, NM_001128845.2, NM_001128846.2 and 5 more transcripts); short protein forms T11S.
Identifiers: ClinVar variation 643858 (VCV000643858.6), dbSNP rs1568416665, ClinGen allele CA404053924.